The following is an entry in ClinVar:

NM_005591.4(MRE11):c.1757C>T (p.Ser586Leu)

Gene: MRE11 (MRE11 double strand break repair nuclease; minus strand). Cytogenetic location: 11q21.
Variant type: single nucleotide variant.
Coding change: c.1757C>T on transcript NM_005591.4 (MANE Select); coding-DNA position 1757, C replaced by T.
Protein change: p.Ser586Leu; replaces serine 586 with leucine.
Molecular consequence: missense variant.
Genome position (GRCh38, 1-based): chr11:94,447,245, G>A on the plus strand (C>T on the coding strand, the complement: MRE11 is on the minus strand). VCF-style: chr11-94447245-G-A. GRCh37 (hg19) VCF-style: chr11-94180411-G-A.
Other names: c.1757C>T, p.Ser586Leu (NM_001330347.2, NM_005590.4); short protein forms S586L.
Identifiers: ClinVar variation 186079 (VCV000186079.15), dbSNP rs753717905, ClinGen allele CA193805.

ClinVar aggregate classification (germline): Uncertain significance. Review status: criteria provided, multiple submitters, no conflicts (2 of 4 stars). 3 submissions from 3 submitters: Uncertain significance (2). 1 of the submissions does not count toward it. Last evaluated 2024-05-15.

Conditions:
Ataxia-telangiectasia-like disorder (ATLD). Identifiers: MedGen C1858391, MONDO:0011457.
MRE11-related disorder. Also called: MRE11-related condition.
Hereditary cancer-predisposing syndrome. Also called: Hereditary neoplastic syndrome; Neoplastic Syndromes, Hereditary; Tumor predisposition; Hereditary Cancer Syndrome. Identifiers: Orphanet 140162, MedGen C0027672, MeSH D009386, MONDO:0015356.

Allele frequency attached by ClinVar (database versions not stated): ExAC 0.00001; gnomAD 0.00001; gnomAD exomes 0.00001; TOPMed 0.00003.
gnomAD v4.1: 11 of 1,613,448 alleles (0.00068%); highest among the groups gnomAD compares: South Asian, 0.0044%; no homozygotes.

Submissions (3):

Ambry Genetics
Classification: Uncertain significance for Hereditary cancer-predisposing syndrome. Last evaluated: 2024-05-15. Review status: criteria provided, single submitter. Criteria: Ambry Variant Classification Scheme 2023. Collection method: clinical testing. Allele origin: germline.
Comment: The p.S586L variant (also known as c.1757C>T), located in coding exon 14 of the MRE11A gene, results from a C to T substitution at nucleotide position 1757. The serine at codon 586 is replaced by leucine, an amino acid with dissimilar properties. This amino acid position is poorly conserved in available vertebrate species. In addition, this alteration is predicted to be tolerated by in silico analysis. Since supporting evidence is limited at this time, the clinical significance of this alteration remains unclear.

Labcorp Genetics (formerly Invitae), Labcorp
Classification: Uncertain significance for Ataxia-telangiectasia-like disorder. Last evaluated: 2022-07-15. Review status: criteria provided, single submitter. Criteria: Invitae Variant Classification Sherloc (09022015). Collection method: clinical testing. Allele origin: germline.
Comment: This sequence change replaces serine, which is neutral and polar, with leucine, which is neutral and non-polar, at codon 586 of the MRE11 protein (p.Ser586Leu). This variant is present in population databases (rs753717905, gnomAD 0.007%). This variant has not been reported in the literature in individuals affected with MRE11-related conditions. ClinVar contains an entry for this variant (Variation ID: 186079). Algorithms developed to predict the effect of missense changes on protein structure and function output the following: SIFT: "Tolerated"; PolyPhen-2: "Benign"; Align-GVGD: "Class C0". The leucine amino acid residue is found in multiple mammalian species, which suggests that this missense change does not adversely affect protein function. In summary, the available evidence is currently insufficient to determine the role of this variant in disease. Therefore, it has been classified as a Variant of Uncertain Significance.

PreventionGenetics, part of Exact Sciences
Classification: Uncertain significance for MRE11-related condition. Last evaluated: 2024-06-03. Review status: no assertion criteria provided. Collection method: clinical testing. Allele origin: germline. Not counted in ClinVar's aggregate classification.
Comment: The MRE11 c.1757C>T variant is predicted to result in the amino acid substitution p.Ser586Leu. To our knowledge, this variant has not been reported in the literature. This variant is reported in 0.0062% of alleles in individuals of African descent in gnomAD and is interpreted as a variant of uncertain significance in ClinVar. At this time, the clinical significance of this variant is uncertain due to the absence of conclusive functional and genetic evidence.